The following is an entry in ClinVar:

ClinVar aggregate classification (germline): Conflicting classifications of pathogenicity. Review status: criteria provided, conflicting classifications (1 of 4 stars). 4 submissions from 4 submitters: Uncertain significance (1); Benign (1). 2 of the submissions do not count toward it. Last evaluated 2026-01-17.

Conditions:
NEB-related disorder. Also called: NEB-related condition; NEB-Related Disorders.
Nemaline myopathy 2 (NEM2). Also called: Nemaline myopathy 2, autosomal recessive. Identifiers: MedGen C1850569, MONDO:0009725, OMIM 256030.

Allele frequency attached by ClinVar (database versions not stated): gnomAD exomes 0.00012 and 0.00031; ExAC 0.00038; ESP Exome Variant Server 0.00066; 1000 Genomes Project 0.00120; gnomAD 0.00123 and 0.00134; 1000 Genomes Project 30x 0.00125; TOPMed 0.00142.
gnomAD v4.1: 366 of 1,607,394 alleles (0.023%); highest among the groups gnomAD compares: African/African-American, 0.43%; 1 homozygote.

Submissions (4):

Labcorp Genetics (formerly Invitae), Labcorp
Classification: Benign for Nemaline myopathy 2. Last evaluated: 2026-01-17. Review status: criteria provided, single submitter. Criteria: Invitae Variant Classification Sherloc (09022015). Collection method: clinical testing. Allele origin: germline.

Illumina Laboratory Services, Illumina
Classification: Uncertain significance for Nemaline myopathy 2. Last evaluated: 2018-01-13. Review status: criteria provided, single submitter. Criteria: ICSL Variant Classification Criteria 13 December 2019. Collection method: clinical testing. Allele origin: germline.

PreventionGenetics, part of Exact Sciences
Classification: Likely benign for NEB-related condition. Last evaluated: 2022-07-08. Review status: no assertion criteria provided. Collection method: clinical testing. Allele origin: germline. Not counted in ClinVar's aggregate classification.
Comment: This variant is classified as likely benign based on ACMG/AMP sequence variant interpretation guidelines (Richards et al. 2015 PMID: 25741868, with internal and published modifications).

Natera, Inc.
Classification: Uncertain significance for Nemaline myopathy type 2. Last evaluated: 2019-11-11. Review status: no assertion criteria provided. Collection method: clinical testing. Allele origin: germline. Not counted in ClinVar's aggregate classification.

NM_001164508.2(NEB):c.24874-8C>T

Genes: NEB (nebulin; minus strand), RIF1 (replication timing regulatory factor 1; plus strand). Cytogenetic location: 2q23.3.
Variant type: single nucleotide variant.
Coding change: c.24874-8C>T on transcript NM_001164508.2 (MANE Select); 8 bases into the intron before coding-DNA position 24874, C replaced by T.
Molecular consequence: intron variant.
Genome position (GRCh38, 1-based): chr2:151,492,289, G>A on the plus strand (C>T on the coding strand, the complement: NEB is on the minus strand). VCF-style: chr2-151492289-G-A. GRCh37 (hg19) VCF-style: chr2-152348803-G-A.
Other names: c.19306-8C>T (NM_004543.5); c.24874-8C>T (NM_001164507.2); c.24979-8C>T (NM_001271208.2).
Identifiers: ClinVar variation 703852 (VCV000703852.19), dbSNP rs200902944, ClinGen allele CA1905868.